The following is an entry in ClinVar:

NM_018429.3(BDP1):c.7796G>A (p.Arg2599Gln)

Gene: BDP1 (BDP1 general transcription factor IIIB subunit; plus strand). Cytogenetic location: 5q13.2.
Variant type: single nucleotide variant.
Coding change: c.7796G>A on transcript NM_018429.3 (MANE Select); coding-DNA position 7796, G replaced by A.
Protein change: p.Arg2599Gln; replaces arginine 2599 with glutamine.
Molecular consequence: missense variant.
Genome position (GRCh38, 1-based): chr5:71,564,806, G>A. VCF-style: chr5-71564806-G-A. GRCh37 (hg19) VCF-style: chr5-70860633-G-A.
Other names: short protein forms R2599Q.
Identifiers: ClinVar variation 2366006 (VCV002366006.3), dbSNP rs184583431, ClinGen allele CA3297619.
Genomic context (GRCh38, chr5:71,564,806, plus strand): 5'-CTTTTTAGGTTTCTTGTGATCAGCCCTTACTGAAAGAAGGATATAAAAGTGCCCAAAAGC[G>A]GGCCCCTCAAGGGGAGGCAACCACAGTCTCTGAATATTTCTTCAATGATATCTTCATTGA-3'
Protein context (NP_060899.2, residues 2589-2609): LKEGYKSAQK[Arg2599Gln]APQGEATTVS

ClinVar aggregate classification (germline): Conflicting classifications of pathogenicity. Review status: criteria provided, conflicting classifications (1 of 4 stars). 2 submissions from 2 submitters: Uncertain significance (1); Likely benign (1). Last evaluated 2026-02-11.

Conditions:
BDP1-related disorder. Also called: BDP1-related condition.

Allele frequency attached by ClinVar (database versions not stated): ESP Exome Variant Server 0.00009; ExAC 0.00013; gnomAD exomes 0.00013; 1000 Genomes Project 0.00020; gnomAD 0.00037; 1000 Genomes Project 30x 0.00047; TOPMed 0.00062.
gnomAD v4.1: 258 of 1,611,294 alleles (0.016%); highest among the groups gnomAD compares: Admixed American, 0.12%; no homozygotes.

Submissions (2):

PreventionGenetics, part of Exact Sciences
Classification: Uncertain significance for BDP1-related condition. Last evaluated: 2026-02-11. Review status: criteria provided, single submitter. Criteria: ACMG Guidelines, 2015. Collection method: clinical testing. Allele origin: germline.
Comment: The BDP1 c.7796G>A variant is predicted to result in the amino acid substitution p.Arg2599Gln. To our knowledge, this variant has not been reported in the literature. This variant is reported in 0.026% of alleles in individuals of Latino descent in gnomAD. At this time, the clinical significance of this variant is uncertain due to the absence of conclusive functional and genetic evidence.

Ambry Genetics
Classification: Likely benign. Last evaluated: 2021-08-30. Review status: criteria provided, single submitter. Criteria: Ambry Variant Classification Scheme 2023. Collection method: clinical testing. Allele origin: germline.